The following is an entry in ClinVar:

ClinVar aggregate classification (germline): Uncertain significance. Review status: criteria provided, multiple submitters, no conflicts (2 of 4 stars). 2 submissions from 2 submitters: Uncertain significance (2). Last evaluated 2025-12-15.

Conditions:
Autoinflammatory syndrome. Identifiers: Orphanet 93665, MedGen C3890737, MONDO:0019751.
Psoriasis 2. Identifiers: MedGen C1864497, MONDO:0011269, OMIM 602723.
Pityriasis rubra pilaris (PRP). Also called: Pityriasis rubra pilaris--familial type. Identifiers: Orphanet 2897, MedGen C0032027, MONDO:0100017, OMIM 173200, MONDO:0008251.

Allele frequency attached by ClinVar (database versions not stated): gnomAD exomes 0.00002; ExAC 0.00003; gnomAD 0.00003; TOPMed 0.00004; ESP Exome Variant Server 0.00008.
gnomAD v4.1: 42 of 1,612,620 alleles (0.0026%); highest among the groups gnomAD compares: Non-Finnish European, 0.0032%; no homozygotes.

Submissions (2):

Labcorp Genetics (formerly Invitae), Labcorp
Classification: Uncertain significance for Pityriasis rubra pilaris; Psoriasis 2. Last evaluated: 2025-12-15. Review status: criteria provided, single submitter. Criteria: Invitae Variant Classification Sherloc (09022015). Collection method: clinical testing. Allele origin: germline.
Comment: This sequence change replaces glutamic acid, which is acidic and polar, with lysine, which is basic and polar, at codon 490 of the CARD14 protein (p.Glu490Lys). This variant is present in population databases (rs372805579, gnomAD 0.007%). This variant has not been reported in the literature in individuals affected with CARD14-related conditions. ClinVar contains an entry for this variant (Variation ID: 1694226). Invitae Evidence Modeling of protein sequence and biophysical properties (such as structural, functional, and spatial information, amino acid conservation, physicochemical variation, residue mobility, and thermodynamic stability) has been performed for this missense variant. However, the output from this modeling did not meet the statistical confidence thresholds required to predict the impact of this variant on CARD14 protein function. In summary, the available evidence is currently insufficient to determine the role of this variant in disease. Therefore, it has been classified as a Variant of Uncertain Significance.

Genome Diagnostics Laboratory, The Hospital for Sick Children
Classification: Uncertain significance for Autoinflammatory syndrome. Last evaluated: 2016-12-12. Review status: criteria provided, single submitter. Criteria: ACMG Guidelines, 2015. Collection method: clinical testing. Allele origin: germline. Affected: yes.

NM_001366385.1(CARD14):c.1468G>A (p.Glu490Lys)

Gene: CARD14 (caspase recruitment domain family member 14; plus strand). Cytogenetic location: 17q25.3.
Variant type: single nucleotide variant.
Coding change: c.1468G>A on transcript NM_001366385.1 (MANE Select); coding-DNA position 1468, G replaced by A.
Protein change: p.Glu490Lys; replaces glutamic acid 490 with lysine.
Molecular consequence: missense variant. On other transcripts: non-coding transcript variant (1).
Genome position (GRCh38, 1-based): chr17:80,195,302, G>A. VCF-style: chr17-80195302-G-A. GRCh37 (hg19) VCF-style: chr17-78169101-G-A.
Other names: c.1468G>A, p.Glu490Lys (NM_001257970.1, NM_024110.4); c.757G>A, p.Glu253Lys (NM_052819.3); short protein forms E253K, E490K.
Identifiers: ClinVar variation 1694226 (VCV001694226.6), dbSNP rs372805579, ClinGen allele CA8816837.